The following is an entry in ClinVar:

NM_024757.5(EHMT1):c.1800dup (p.Met601fs)

Gene: EHMT1 (euchromatic histone lysine methyltransferase 1; plus strand). Cytogenetic location: 9q34.3.
Variant type: Duplication.
Coding change: c.1800dup on transcript NM_024757.5 (MANE Select); coding-DNA position 1800, one base duplicated (T; older notation c.1800dupT).
Protein change: p.Met601fs; shifts the reading frame from methionine 601.
Molecular consequence: frameshift variant.
Genome position (GRCh38, 1-based): chr9:137,776,626, T duplicated; the last of 4 consecutive T bases (chr9:137,776,623-137,776,626); duplicating any one gives the same sequence. VCF-style (leftmost placement, unchanged base first): chr9-137776622-A-AT. GRCh37 (hg19) VCF-style: chr9-140671074-A-AT.
Other names: c.1800dup, p.Met601fs (NM_001145527.2); c.1707dup, p.Met570fs (NM_001354259.2); c.1779dup, p.Met594fs (NM_001354263.2); short protein forms M594fs, M570fs, M601fs.
Identifiers: ClinVar variation 2002587 (VCV002002587.4), dbSNP rs2542367876, ClinGen allele CA2580081001.

ClinVar aggregate classification (germline): Pathogenic (1 of 4 stars; one submission).

Conditions:
Kleefstra syndrome 1 (KLEFS1). Identifiers: Orphanet 261494, MedGen C0795833, MONDO:0027407, OMIM 610253.

Submission:

Labcorp Genetics (formerly Invitae), Labcorp
Classification: Pathogenic for Kleefstra syndrome 1. Last evaluated: 2022-06-07. Review status: criteria provided, single submitter. Criteria: Invitae Variant Classification Sherloc (09022015). Collection method: clinical testing. Allele origin: germline.
Comment: This sequence change creates a premature translational stop signal (p.Met601Tyrfs*23) in the EHMT1 gene. It is expected to result in an absent or disrupted protein product. Loss-of-function variants in EHMT1 are known to be pathogenic (PMID: 16826528, 19264732). This variant is not present in population databases (gnomAD no frequency). This variant has not been reported in the literature in individuals affected with EHMT1-related conditions. For these reasons, this variant has been classified as Pathogenic.

Literature cited by the submitters: PubMed 16826528; PubMed 19264732.